The following is an entry in ClinVar:

ClinVar aggregate classification (germline): Uncertain significance. Review status: criteria provided, multiple submitters, no conflicts (2 of 4 stars). 2 submissions from 2 submitters: Uncertain significance (2). Last evaluated 2024-08-27.

Conditions:
Cardiovascular phenotype. Identifiers: MedGen CN230736.
Long QT syndrome (LQTS). Identifiers: MedGen C0023976, MeSH D008133, MONDO:0002442. Disease mechanism: loss of function. Inheritance: Various modes of inheritance.

Allele frequency attached by ClinVar (database versions not stated): gnomAD exomes below 0.00001; TOPMed below 0.00001.
gnomAD v4.1: 2 of 1,487,208 alleles (0.00013%); highest among the groups gnomAD compares: Non-Finnish European, 0.00018%; no homozygotes.

Submissions (2):

Ambry Genetics
Classification: Uncertain significance for Cardiovascular phenotype. Last evaluated: 2024-08-27. Review status: criteria provided, single submitter. Criteria: Ambry Variant Classification Scheme 2023. Collection method: clinical testing. Allele origin: germline.
Comment: The p.E208K variant (also known as c.622G>A), located in coding exon 4 of the KCNH2 gene, results from a G to A substitution at nucleotide position 622. The glutamic acid at codon 208 is replaced by lysine, an amino acid with similar properties. This amino acid position is well conserved in available vertebrate species. In addition, the in silico prediction for this alteration is inconclusive. Based on the available evidence, the clinical significance of this variant remains unclear.

Labcorp Genetics (formerly Invitae), Labcorp
Classification: Uncertain significance for Long QT syndrome. Last evaluated: 2024-02-23. Review status: criteria provided, single submitter. Criteria: Invitae Variant Classification Sherloc (09022015). Collection method: clinical testing. Allele origin: germline.
Comment: This sequence change replaces glutamic acid, which is acidic and polar, with lysine, which is basic and polar, at codon 208 of the KCNH2 protein (p.Glu208Lys). The frequency data for this variant in the population databases is considered unreliable, as metrics indicate poor data quality at this position in the gnomAD database. This variant has not been reported in the literature in individuals affected with KCNH2-related conditions. ClinVar contains an entry for this variant (Variation ID: 1348701). An algorithm developed to predict the effect of missense changes on protein structure and function (PolyPhen-2) suggests that this variant is likely to be tolerated. In summary, the available evidence is currently insufficient to determine the role of this variant in disease. Therefore, it has been classified as a Variant of Uncertain Significance.

NM_000238.4(KCNH2):c.622G>A (p.Glu208Lys)

Gene: KCNH2 (potassium voltage-gated channel subfamily H member 2; minus strand). Cytogenetic location: 7q36.1.
Variant type: single nucleotide variant.
Coding change: c.622G>A on transcript NM_000238.4 (MANE Select); coding-DNA position 622, G replaced by A.
Protein change: p.Glu208Lys; replaces glutamic acid 208 with lysine.
Molecular consequence: missense variant.
Genome position (GRCh38, 1-based): chr7:150,958,353, C>T on the plus strand (G>A on the coding strand, the complement: KCNH2 is on the minus strand). VCF-style: chr7-150958353-C-T. GRCh37 (hg19) VCF-style: chr7-150655441-C-T.
Other names: c.334G>A, p.Glu112Lys (NM_001406753.1, NM_001406756.1); c.445G>A, p.Glu149Lys (NM_001406755.1); c.322G>A, p.Glu108Lys (NM_001406757.1); c.622G>A, p.Glu208Lys (NM_172056.3); short protein forms E208K, E112K, E108K, E149K.
Identifiers: ClinVar variation 1348701 (VCV001348701.10), dbSNP rs1300618190, ClinGen allele CA369863072.